The following is an entry in ClinVar:

ClinVar aggregate classification (germline): Benign. Review status: criteria provided, multiple submitters, no conflicts (2 of 4 stars). 4 submissions from 4 submitters: Benign (4). Last evaluated 2021-07-14.

Conditions:
Weill-Marchesani 4 syndrome, recessive. Also called: Weill-Marchesani syndrome 4. Identifiers: Orphanet 363992, MedGen C2750787, MONDO:0013176, OMIM 613195.

Allele frequency attached by ClinVar (database versions not stated): 1000 Genomes Project 30x 0.59557; TOPMed 0.62406; ExAC 0.62819; ESP Exome Variant Server 0.64670; gnomAD 0.65342.
gnomAD v4.1: 1,049,622 of 1,612,102 alleles (65%); highest among the groups gnomAD compares: Non-Finnish European, 67%; 344,021 homozygotes.

Submissions (4):

Genome-Nilou Lab
Classification: Benign for Weill-Marchesani 4 syndrome, recessive. Last evaluated: 2021-07-14. Review status: criteria provided, single submitter. Criteria: ACMG Guidelines, 2015. Collection method: clinical testing. Allele origin: germline. Affected: no.

GeneDx
Classification: Benign. Last evaluated: 2018-09-04. Review status: criteria provided, single submitter. Criteria: GeneDx Variant Classification Process June 2021. Collection method: clinical testing. Allele origin: germline. Affected: yes.

Illumina Laboratory Services, Illumina
Classification: Benign for Weill-Marchesani 4 syndrome, recessive. Last evaluated: 2018-01-12. Review status: criteria provided, single submitter. Criteria: ICSL Variant Classification Criteria 13 December 2019. Collection method: clinical testing. Allele origin: germline.
Comment: This variant was observed in the ICSL laboratory as part of a predisposition screen in an ostensibly healthy population. It had not been previously curated by ICSL or reported in the Human Gene Mutation Database (HGMD: prior to June 1st, 2018), and was therefore a candidate for classification through an automated scoring system. Utilizing variant allele frequency, disease prevalence and penetrance estimates, and inheritance mode, an automated score was calculated to assess if this variant is too frequent to cause the disease. Based on the score and internal cut-off values, a variant classified as benign is not then subjected to further curation. The score for this variant resulted in a classification of benign for this disease.

Breakthrough Genomics
Classification: Benign. Review status: criteria provided, single submitter. Criteria: ACMG Guidelines, 2015. Collection method: not provided. Allele origin: germline. Inheritance: Autosomal recessive inheritance. Affected: yes.

NM_139057.4(ADAMTS17):c.*46C>G

Gene: ADAMTS17 (ADAM metallopeptidase with thrombospondin type 1 motif 17; minus strand). Cytogenetic location: 15q26.3.
Variant type: single nucleotide variant.
Coding change: c.*46C>G on transcript NM_139057.4 (MANE Select); 46 bases downstream of the stop codon, C replaced by G.
Molecular consequence: 3 prime UTR variant.
Genome position (GRCh38, 1-based): chr15:99,974,356, G>C on the plus strand (C>G on the coding strand, the complement: ADAMTS17 is on the minus strand). VCF-style: chr15-99974356-G-C. GRCh37 (hg19) VCF-style: chr15-100514561-G-C.
Identifiers: ClinVar variation 315246 (VCV000315246.12), dbSNP rs2581340, ClinGen allele CA7757374.